The following is an entry in ClinVar:

ClinVar aggregate classification (germline): Uncertain significance (1 of 4 stars; one submission).

Conditions:
Hypokalemic periodic paralysis, type 1. Also called: HypoPP; Hypokalemic Periodic Paralysis Type 1 (AD). Identifiers: Orphanet 681, MedGen C3714580, MONDO:0042979, OMIM 170400.
Malignant hyperthermia, susceptibility to, 5 (MHS5). Also called: CACNA1S-Related Malignant Hyperthermia Susceptibility. Identifiers: Orphanet 423, MedGen C1866077, MONDO:0011163, OMIM 601887.

Submission:

Labcorp Genetics (formerly Invitae), Labcorp
Classification: Uncertain significance for Hypokalemic periodic paralysis, type 1; Malignant hyperthermia, susceptibility to, 5. Last evaluated: 2025-02-06. Review status: criteria provided, single submitter. Criteria: Invitae Variant Classification Sherloc (09022015). Collection method: clinical testing. Allele origin: germline.
Comment: This sequence change replaces threonine, which is neutral and polar, with isoleucine, which is neutral and non-polar, at codon 60 of the CACNA1S protein (p.Thr60Ile). This variant is not present in population databases (gnomAD no frequency). This variant has not been reported in the literature in individuals affected with CACNA1S-related conditions. Invitae Evidence Modeling of protein sequence and biophysical properties (such as structural, functional, and spatial information, amino acid conservation, physicochemical variation, residue mobility, and thermodynamic stability) indicates that this missense variant is not expected to disrupt CACNA1S protein function with a negative predictive value of 95%. In summary, the available evidence is currently insufficient to determine the role of this variant in disease. Therefore, it has been classified as a Variant of Uncertain Significance.

NM_000069.3(CACNA1S):c.179C>T (p.Thr60Ile)

Gene: CACNA1S (calcium voltage-gated channel subunit alpha1 S; minus strand). Cytogenetic location: 1q32.1.
Variant type: single nucleotide variant.
Coding change: c.179C>T on transcript NM_000069.3 (MANE Select); coding-DNA position 179, C replaced by T.
Protein change: p.Thr60Ile; replaces threonine 60 with isoleucine.
Molecular consequence: missense variant.
Genome position (GRCh38, 1-based): chr1:201,110,243, G>A on the plus strand (C>T on the coding strand, the complement: CACNA1S is on the minus strand). VCF-style: chr1-201110243-G-A. GRCh37 (hg19) VCF-style: chr1-201079371-G-A.
Other names: short protein forms T60I.
Identifiers: ClinVar variation 4792825 (VCV004792825.1).